The following is an entry in ClinVar:

NM_177924.5(ASAH1):c.1154T>C (p.Leu385Pro)

Gene: ASAH1 (N-acylsphingosine amidohydrolase 1; minus strand). Cytogenetic location: 8p22.
Variant type: single nucleotide variant.
Coding change: c.1154T>C on transcript NM_177924.5 (MANE Select); coding-DNA position 1154, T replaced by C.
Protein change: p.Leu385Pro; replaces leucine 385 with proline.
Molecular consequence: missense variant.
Genome position (GRCh38, 1-based): chr8:18,057,568, A>G on the plus strand (T>C on the coding strand, the complement: ASAH1 is on the minus strand). VCF-style: chr8-18057568-A-G. GRCh37 (hg19) VCF-style: chr8-17915077-A-G.
Other names: ASAH1, LEU401PRO (rs368345612); c.1136T>C, p.Leu379Pro (NM_001127505.3); c.959T>C, p.Leu320Pro (NM_001363743.2); c.1202T>C, p.Leu401Pro (NM_004315.6); short protein forms L401P, L379P, L385P, L320P.
Identifiers: ClinVar variation 417797 (VCV000417797.7), dbSNP rs368345612, ClinGen allele CA4650496.

ClinVar aggregate classification (germline): Uncertain significance. Review status: criteria provided, single submitter (1 of 4 stars). 4 submissions from 4 submitters: Uncertain significance (1). 3 of the submissions do not count toward it. Last evaluated 2024-06-03.

Conditions:
Keloid formation. Identifiers: MedGen C3149494, MONDO:0007847, OMIM 148100.
Variant of unknown significance. Identifiers: MedGen C2986382.

Allele frequency attached by ClinVar (database versions not stated): 1000 Genomes Project 30x 0.00016; 1000 Genomes Project 0.00020; ExAC 0.00002; ESP Exome Variant Server 0.00008; TOPMed 0.00008; gnomAD 0.00010 and 0.00011.
gnomAD v4.1: 25 of 1,604,438 alleles (0.0016%); highest among the groups gnomAD compares: African/African-American, 0.033%; no homozygotes.

Submissions (4):

Labcorp Genetics (formerly Invitae), Labcorp
Classification: Uncertain significance. Last evaluated: 2024-06-03. Review status: criteria provided, single submitter. Criteria: Invitae Variant Classification Sherloc (09022015). Collection method: clinical testing. Allele origin: germline.
Comment: This sequence change replaces leucine, which is neutral and non-polar, with proline, which is neutral and non-polar, at codon 385 of the ASAH1 protein (p.Leu385Pro). This variant is present in population databases (rs368345612, gnomAD 0.02%). This variant has not been reported in the literature in individuals affected with ASAH1-related conditions. ClinVar contains an entry for this variant (Variation ID: 417797). Advanced modeling of protein sequence and biophysical properties (such as structural, functional, and spatial information, amino acid conservation, physicochemical variation, residue mobility, and thermodynamic stability) performed at Invitae indicates that this missense variant is expected to disrupt ASAH1 protein function with a positive predictive value of 80%. In summary, the available evidence is currently insufficient to determine the role of this variant in disease. Therefore, it has been classified as a Variant of Uncertain Significance.

OMIM
Classification: Uncertain significance for VARIANT OF UNKNOWN SIGNIFICANCE. Last evaluated: 2022-09-02. Review status: no assertion criteria provided. Collection method: literature only. Allele origin: germline. Not counted in ClinVar's aggregate classification.

Reichenberger Lab, Center for Regenerative Medicine and Skeletal Development, UConn Health Center
Classification: Pathogenic for Keloid formation. Last evaluated: 2017-04-03. Review status: no assertion criteria provided. Collection method: research. Allele origin: inherited. Affected: yes. Not counted in ClinVar's aggregate classification.

University of Washington Center for Mendelian Genomics, University of Washington
Classification: Likely pathogenic for Keloids. Review status: no assertion criteria provided. Collection method: research. Allele origin: inherited. Affected: yes. Not counted in ClinVar's aggregate classification.

Literature cited by the submitters: PubMed 28905881 (cited by 3 submitters).